The following is an entry in ClinVar:

ClinVar aggregate classification (germline): Uncertain significance. Review status: criteria provided, multiple submitters, no conflicts (2 of 4 stars). 2 submissions from 2 submitters: Uncertain significance (2). Last evaluated 2023-08-25.

Conditions:
Congenital myasthenic syndrome 20. Also called: Myasthenic syndrome, congenital, 20, presynaptic. Identifiers: MedGen C4310694, MONDO:0014939, OMIM 617143.
Neuronopathy, distal hereditary motor, type 7A. Also called: HARPER-YOUNG MYOPATHY; HMN VIIA; SPINAL MUSCULAR ATROPHY, DISTAL, WITH VOCAL CORD PARALYSIS; NEURONOPATHY, DISTAL HEREDITARY MOTOR, HARDING TYPE VIIA; NEUROPATHY, DISTAL HEREDITARY MOTOR, HARDING TYPE VIIA; Neuronopathy, distal hereditary motor, autosomal dominant 7. Identifiers: Orphanet 139589, MedGen C1834703, MONDO:0008024, OMIM 158580.

Allele frequency attached by ClinVar (database versions not stated): gnomAD exomes below 0.00001 and 0.00001; TOPMed below 0.00001; gnomAD 0.00001; ExAC 0.00002; ESP Exome Variant Server 0.00008.

Submissions (2):

GeneDx
Classification: Uncertain significance. Last evaluated: 2023-08-25. Review status: criteria provided, single submitter. Criteria: GeneDx Variant Classification Process June 2021. Collection method: clinical testing. Allele origin: germline. Affected: yes.
Comment: Frameshift variant predicted to result in protein truncation as the last 23 amino acids are replaced with 2 different amino acids, although loss-of-function variants have not been reported downstream of this position in the protein; Not observed at significant frequency in large population cohorts (gnomAD); Has not been previously published as pathogenic or benign to our knowledge

Labcorp Genetics (formerly Invitae), Labcorp
Classification: Uncertain significance for Neuronopathy, distal hereditary motor, type 7A; Congenital myasthenic syndrome 20. Last evaluated: 2023-08-04. Review status: criteria provided, single submitter. Criteria: Invitae Variant Classification Sherloc (09022015). Collection method: clinical testing. Allele origin: germline.
Comment: This sequence change creates a premature translational stop signal (p.Thr558Asnfs*3) in the SLC5A7 gene. While this is not anticipated to result in nonsense mediated decay, it is expected to disrupt the last 23 amino acid(s) of the SLC5A7 protein. Experimental studies and prediction algorithms are not available or were not evaluated, and the functional significance of this variant is currently unknown. In summary, the available evidence is currently insufficient to determine the role of this variant in disease. Therefore, it has been classified as a Variant of Uncertain Significance. ClinVar contains an entry for this variant (Variation ID: 843500). This variant has not been reported in the literature in individuals affected with SLC5A7-related conditions. This variant is present in population databases (rs748711877, gnomAD 0.007%).

NM_021815.5(SLC5A7):c.1672dup (p.Thr558fs)

Gene: SLC5A7 (solute carrier family 5 member 7; plus strand). Cytogenetic location: 2q12.3.
Variant type: Duplication.
Coding change: c.1672dup on transcript NM_021815.5 (MANE Select); coding-DNA position 1672, one base duplicated (A; older notation c.1672dupA).
Protein change: p.Thr558fs; shifts the reading frame from threonine 558.
Molecular consequence: frameshift variant.
Genome position (GRCh38, 1-based): chr2:108,010,790, A duplicated. VCF-style (leftmost placement, unchanged base first): chr2-108010789-C-CA. GRCh37 (hg19) VCF-style: chr2-108627245-C-CA.
Other names: c.1672dup, p.Thr558fs (NM_001305005.3); c.1357dup, p.Thr453fs (NM_001305006.3); c.931dup, p.Thr311fs (NM_001305007.3); short protein forms T311fs, T453fs, T558fs.
Identifiers: ClinVar variation 843500 (VCV000843500.7), dbSNP rs748711877, ClinGen allele CA1819213.